The following is an entry in ClinVar:

NM_000152.5(GAA):c.686G>C (p.Arg229Pro)

Gene: GAA (alpha glucosidase; plus strand). Cytogenetic location: 17q25.3.
Variant type: single nucleotide variant.
Coding change: c.686G>C on transcript NM_000152.5 (MANE Select); coding-DNA position 686, G replaced by C.
Protein change: p.Arg229Pro; replaces arginine 229 with proline.
Molecular consequence: missense variant.
Genome position (GRCh38, 1-based): chr17:80,105,888, G>C. VCF-style: chr17-80105888-G-C. GRCh37 (hg19) VCF-style: chr17-78079687-G-C.
Other names: c.686G>C (LRG_673t1); c.686G>C, p.Arg229Pro (NM_001079803.3, NM_001079804.3); short protein forms R229P.
Identifiers: ClinVar variation 641382 (VCV000641382.4), dbSNP rs776509432, ClinGen allele CA401362603.
Genomic context (GRCh38, chr17:80,105,888, plus strand): 5'-ACAGCGTGGAGTTCTCCGAGGAGCCCTTCGGGGTGATCGTGCGCCGGCAGCTGGACGGCC[G>C]CGTGCTGTGAGTTCTGGGCTCTGTGCCAGCATGATGGGGAGGGCGACGCGCATTTCTCAC-3'
Protein context (NP_000143.2, residues 219-239): GVIVRRQLDG[Arg229Pro]VLLNTTVAPL

ClinVar aggregate classification (germline): Uncertain significance. Review status: criteria provided, multiple submitters, no conflicts (2 of 4 stars). 2 submissions from 2 submitters: Uncertain significance (2). Last evaluated 2026-07-01.

Conditions:
Glycogen storage disease, type II (IOPD). Also called: Pompe Disease; CARDIOMEGALIA GLYCOGENICA DIFFUSA; GLYCOGENOSIS, GENERALIZED, CARDIAC FORM; GSD II; POMPE DISEASE, INFANTILE-ONSET; GLYCOGEN STORAGE DISEASE II, INFANTILE-ONSET. Identifiers: Orphanet 365, MedGen C0017921, MONDO:0009290, OMIM 232300.

Allele frequency attached by ClinVar (database versions not stated): TOPMed 0.00002.
gnomAD v4.1: 49 of 1,595,274 alleles (0.0031%); highest among the groups gnomAD compares: Non-Finnish European, 0.0042%; no homozygotes.

Submissions (2):

Genomenon, Inc
Classification: Uncertain significance for Glycogen storage disease, type II. Last evaluated: 2026-07-01. Review status: criteria provided, single submitter. Criteria: Genomenon Sequence Variant Interpretation Standards - Updated. Collection method: curation. Allele origin: germline. Affected: no.
Comment: GAA p.Arg229Pro (c.686G>C) is a missense variant that changes the amino acid at codon 229 from Arginine to Proline. This variant has been reported in the published literature (PMID:31342611;33560568). It is absent or not present at a significant frequency in gnomAD. In silico models predict that this variant is not damaging. In conclusion, we classify GAA p.Arg229Pro (c.686G>C) as a variant of uncertain significance.

Labcorp Genetics (formerly Invitae), Labcorp
Classification: Uncertain significance for Glycogen storage disease, type II. Last evaluated: 2022-07-01. Review status: criteria provided, single submitter. Criteria: Invitae Variant Classification Sherloc (09022015). Collection method: clinical testing. Allele origin: germline.
Comment: This sequence change replaces arginine, which is basic and polar, with proline, which is neutral and non-polar, at codon 229 of the GAA protein (p.Arg229Pro). This variant is not present in population databases (gnomAD no frequency). This missense change has been observed in individual(s) with clinical features of GAA-related conditions (PMID: 31342611). ClinVar contains an entry for this variant (Variation ID: 641382). Advanced modeling of protein sequence and biophysical properties (such as structural, functional, and spatial information, amino acid conservation, physicochemical variation, residue mobility, and thermodynamic stability) performed at Invitae indicates that this missense variant is not expected to disrupt GAA protein function. In summary, the available evidence is currently insufficient to determine the role of this variant in disease. Therefore, it has been classified as a Variant of Uncertain Significance.

Literature cited by the submitters: PubMed 31342611 (cited by Genomenon, Inc and Labcorp Genetics (formerly Invitae), Labcorp); PubMed 33560568 (cited by Genomenon, Inc).